The following is an entry in ClinVar:

ClinVar aggregate classification (germline): Uncertain significance (1 of 4 stars; one submission).

gnomAD v4.1: 8 of 1,613,992 alleles (0.0005%); highest among the groups gnomAD compares: East Asian, 0.018%; no homozygotes.

Submission:

GeneDx
Classification: Uncertain significance. Last evaluated: 2024-05-17. Review status: criteria provided, single submitter. Criteria: GeneDx Variant Classification Process June 2021. Collection method: clinical testing. Allele origin: germline. Affected: yes.
Comment: Identified in patients with hearing loss or Epstein syndrome in published literature; however, clinical information is limited (PMID: 27393652, 12533692); In silico analysis indicates that this missense variant does not alter protein structure/function; This variant is associated with the following publications: (PMID: 16169642, 12533692, 28714588, 27393652, 19408192)

NM_002473.6(MYH9):c.5446A>G (p.Ile1816Val)

Gene: MYH9 (myosin heavy chain 9; minus strand). Cytogenetic location: 22q12.3.
Variant type: single nucleotide variant.
Coding change: c.5446A>G on transcript NM_002473.6 (MANE Select); coding-DNA position 5446, A replaced by G.
Protein change: p.Ile1816Val; replaces isoleucine 1816 with valine.
Molecular consequence: missense variant.
Genome position (GRCh38, 1-based): chr22:36,285,158, T>C on the plus strand (A>G on the coding strand, the complement: MYH9 is on the minus strand). VCF-style: chr22-36285158-T-C. GRCh37 (hg19) VCF-style: chr22-36681204-T-C.
Other names: short protein forms I1816V.
Identifiers: ClinVar variation 3377996 (VCV003377996.1).
Genomic context (GRCh38, chr22:36,285,158, plus strand): 5'-TGGGCGGGGCCAGGGGCACGTACTTGGTCTCGTTGTCCAGCTGCTCCTCCAGCTGTGCAA[T>C]CTTGGCCTCGAGGGCGGTGATGGAGGCCTTGTACTTGGACTTGACAGTGCCCTCCATCTC-3'
Protein context (NP_002464.1, residues 1806-1826): KASITALEAK[Ile1816Val]AQLEEQLDNE